The following is an entry in ClinVar:

NM_001110556.2(FLNA):c.6516G>A (p.Gln2172=)

Gene: FLNA (filamin A; minus strand). Cytogenetic location: Xq28.
Variant type: single nucleotide variant.
Coding change: c.6516G>A on transcript NM_001110556.2 (MANE Select); coding-DNA position 6516, G replaced by A.
Protein change: p.Gln2172=; no amino-acid change (glutamine 2172 retained).
Molecular consequence: synonymous variant.
Genome position (GRCh38, 1-based): chrX:154,352,434, C>T on the plus strand (G>A on the coding strand, the complement: FLNA is on the minus strand). VCF-style: chrX-154352434-C-T. GRCh37 (hg19) VCF-style: chrX-153580802-C-T.
Other names: p.Q2164Q:CAG>CAA; c.6492G>A, p.Gln2164= (NM_001456.4); c.6516G>A (NM_001110556.1).
Identifiers: ClinVar variation 197408 (VCV000197408.31), dbSNP rs199802825, ClinGen allele CA302993.

ClinVar aggregate classification (germline): Benign/Likely benign. Review status: criteria provided, multiple submitters, no conflicts (2 of 4 stars). 10 submissions from 10 submitters: Benign (6); Likely benign (3). 1 of the submissions does not count toward it. Last evaluated 2026-01-27.

Conditions:
Heterotopia, periventricular, X-linked dominant (PVNH1). Also called: PERIVENTRICULAR NODULAR HETEROTOPIA 4; HETEROTOPIA, PERIVENTRICULAR, 1; PERIVENTRICULAR NODULAR HETEROTOPIA 1; X-linked periventricular heterotopia. Identifiers: Orphanet 2149, Orphanet 82004, MedGen C1848213, MONDO:0010233, OMIM 300049.
Melnick-Needles syndrome (MNS). Also called: Melnick-Needles Syndrome (FLNA-MNS); OSTEODYSPLASTY OF MELNICK AND NEEDLES; MELNICK-NEEDLES OSTEODYSPLASTY. Identifiers: Orphanet 2484, MedGen C0025237, MONDO:0010650, OMIM 309350.
Oto-palato-digital syndrome, type II (OPD2). Also called: Otopalatodigital Syndrome, Type II; Otopalatodigital Syndrome Type 2 (FLNA-OPD2); OPD II SYNDROME; FACIOPALATOOSSEOUS SYNDROME. Identifiers: Orphanet 669, Orphanet 90652, MedGen C1844696, MONDO:0010571, OMIM 304120.
Frontometaphyseal dysplasia (FMD1). Identifiers: Orphanet 1826, MedGen C0265293, MONDO:0015942.
FLNA-related disorder.
Familial thoracic aortic aneurysm and aortic dissection (TAAD). Also called: Thoracic aortic aneurysms and dissections. Identifiers: Orphanet 91387, MedGen C4707243, MONDO:0019625.

Allele frequency attached by ClinVar (database versions not stated): gnomAD exomes 0.00013 and 0.00035; ExAC 0.00039; 1000 Genomes Project 0.00079; 1000 Genomes Project 30x 0.00104; ESP Exome Variant Server 0.00109; gnomAD 0.00124 and 0.00136; TOPMed 0.00144.
gnomAD v4.1: 282 of 1,210,859 alleles (0.023%); highest among the groups gnomAD compares: African/African-American, 0.45%; no homozygotes.

Submissions (10):

Labcorp Genetics (formerly Invitae), Labcorp
Classification: Benign for Oto-palato-digital syndrome, type II; Heterotopia, periventricular, X-linked dominant; Frontometaphyseal dysplasia; Melnick-Needles syndrome. Last evaluated: 2026-01-27. Review status: criteria provided, single submitter. Criteria: Invitae Variant Classification Sherloc (09022015). Collection method: clinical testing. Allele origin: germline.

Blueprint Genetics
Classification: Likely benign. Last evaluated: 2024-10-28. Review status: criteria provided, single submitter. Criteria: ACMG Guidelines, 2015. Collection method: clinical testing. Allele origin: germline.

Women's Health and Genetics/Laboratory Corporation of America, LabCorp
Classification: Benign. Last evaluated: 2023-08-10. Review status: criteria provided, single submitter. Criteria: LabCorp Variant Classification Summary - May 2015. Collection method: clinical testing. Allele origin: germline.

ARUP Laboratories, Molecular Genetics and Genomics, ARUP Laboratories
Classification: Benign. Last evaluated: 2019-09-25. Review status: criteria provided, single submitter. Criteria: ARUP Molecular Germline Variant Investigation Process. Collection method: clinical testing. Allele origin: germline.

Genetic Services Laboratory, University of Chicago
Classification: Benign. Last evaluated: 2018-08-03. Review status: criteria provided, single submitter. Criteria: ACMG Guidelines, 2015. Collection method: clinical testing. Allele origin: germline. Affected: no.

Ambry Genetics
Classification: Benign for Familial thoracic aortic aneurysm and aortic dissection. Last evaluated: 2017-06-22. Review status: criteria provided, single submitter. Criteria: Ambry Variant Classification Scheme 2023. Collection method: clinical testing. Allele origin: germline.

GeneDx
Classification: Benign. Last evaluated: 2015-07-21. Review status: criteria provided, single submitter. Criteria: GeneDx Variant Classification (06012015). Collection method: clinical testing. Allele origin: germline. Affected: yes.
Comment: This variant is considered likely benign or benign based on one or more of the following criteria: it is a conservative change, it occurs at a poorly conserved position in the protein, it is predicted to be benign by multiple in silico algorithms, and/or has population frequency not consistent with disease.

Eurofins Ntd Llc (ga)
Classification: Likely benign. Last evaluated: 2014-12-02. Review status: criteria provided, single submitter. Criteria: EGL Classification Definitions 2015. Collection method: clinical testing. Allele origin: germline. Observed: 1 variant allele, 1 heterozygote.

Breakthrough Genomics
Classification: Likely benign. Review status: criteria provided, single submitter. Criteria: ACMG Guidelines, 2015. Collection method: not provided. Allele origin: germline. Inheritance: X-linked inheritance. Affected: yes.

PreventionGenetics, part of Exact Sciences
Classification: Benign for FLNA-related condition. Last evaluated: 2019-05-13. Review status: no assertion criteria provided. Collection method: clinical testing. Allele origin: germline. Not counted in ClinVar's aggregate classification.
Comment: This variant is classified as benign based on ACMG/AMP sequence variant interpretation guidelines (Richards et al. 2015 PMID: 25741868, with internal and published modifications).